The following is an entry in ClinVar:

NM_006859.4(LIAS):c.708T>G (p.His236Gln)

Gene: LIAS (lipoic acid synthetase; plus strand). Cytogenetic location: 4p14.
Variant type: single nucleotide variant.
Coding change: c.708T>G on transcript NM_006859.4 (MANE Select); coding-DNA position 708, T replaced by G.
Protein change: p.His236Gln; replaces histidine 236 with glutamine.
Molecular consequence: missense variant. On other transcripts: intron variant (1).
Genome position (GRCh38, 1-based): chr4:39,467,617, T>G. VCF-style: chr4-39467617-T-G. GRCh37 (hg19) VCF-style: chr4-39469237-T-G.
Other names: c.399T>G, p.His133Gln (NM_001363700.2); c.708T>G, p.His236Gln (NM_194451.3); c.608+2275T>G (NM_001278590.2); short protein forms H236Q, H133Q.
Identifiers: ClinVar variation 393112 (VCV000393112.10), dbSNP rs1057524792, ClinGen allele CA16604617.

ClinVar aggregate classification (germline): Conflicting classifications of pathogenicity. Review status: criteria provided, conflicting classifications (1 of 4 stars). 3 submissions from 3 submitters: Likely pathogenic (1); Uncertain significance (2). Last evaluated 2021-08-20.

Conditions:
Lipoic acid synthetase deficiency. Also called: HYPERGLYCINEMIA, LACTIC ACIDOSIS, AND SEIZURES. Identifiers: Orphanet 401859, MedGen C3280887, MONDO:0013762, OMIM 614462.
Inborn genetic diseases. Identifiers: MedGen C0950123, MeSH D030342.

Allele frequency attached by ClinVar (database versions not stated): TOPMed below 0.00001.

Submissions (3):

Ambry Genetics
Classification: Uncertain significance for Inborn genetic diseases. Last evaluated: 2021-08-20. Review status: criteria provided, single submitter. Criteria: Ambry Variant Classification Scheme 2023. Collection method: clinical testing. Allele origin: germline.
Comment: The c.708T>G (p.H236Q) alteration is located in exon 7 (coding exon 7) of the LIAS gene. This alteration results from a T to G substitution at nucleotide position 708, causing the histidine (H) at amino acid position 236 to be replaced by a glutamine (Q). (Bruun, 2018) Based on insufficient or conflicting evidence, the clinical significance of this alteration remains unclear.

Labcorp Genetics (formerly Invitae), Labcorp
Classification: Uncertain significance for Lipoic acid synthetase deficiency. Last evaluated: 2021-05-01. Review status: criteria provided, single submitter. Criteria: Invitae Variant Classification Sherloc (09022015). Collection method: clinical testing. Allele origin: germline.
Comment: In summary, the available evidence is currently insufficient to determine the role of this variant in disease. Therefore, it has been classified as a Variant of Uncertain Significance. Algorithms developed to predict the effect of sequence changes on RNA splicing suggest that this variant may create or strengthen a splice site, but this prediction has not been confirmed by published transcriptional studies. Algorithms developed to predict the effect of missense changes on protein structure and function are either unavailable or do not agree on the potential impact of this missense change (SIFT: "Deleterious"; PolyPhen-2: "Probably Damaging"; Align-GVGD: "Class C15"). This variant has been observed in individual(s) with clinical features of hyperglycinemia, lactic acidosis, and seizures (PMID: 28817111). ClinVar contains an entry for this variant (Variation ID: 393112). This variant is not present in population databases (ExAC no frequency). This sequence change replaces histidine with glutamine at codon 236 of the LIAS protein (p.His236Gln). The histidine residue is highly conserved and there is a small physicochemical difference between histidine and glutamine.

GeneDx
Classification: Likely pathogenic. Last evaluated: 2018-09-05. Review status: criteria provided, single submitter. Criteria: GeneDx Variant Classification (06012015). Collection method: clinical testing. Allele origin: germline. Affected: yes.
Comment: The H236Q variant in the LIAS gene has not been reported previously as a pathogenic variant, nor as a benign variant, to our knowledge. The H236Q variant was not observed in approximately 6,500 individuals of European and African American ancestry in the NHLBI Exome Sequencing Project, indicating it is not a common benign variant in these populations. The H236Q variant is a semi-conservative amino acid substitution, which may impact secondary protein structure as these residues differ in some properties. This substitution occurs at a position that is conserved across species. In silico analysis predicts this variant is probably damaging to the protein structure/function. The H236Q variant is a strong candidate for a pathogenic variant, however the possibility it may be a rare benign variant cannot be excluded.

Literature cited by the submitters: PubMed 28817111 (cited by Ambry Genetics and Labcorp Genetics (formerly Invitae), Labcorp).